The following is an entry in ClinVar:

NM_032888.4(COL27A1):c.365G>A (p.Arg122His)

Gene: COL27A1 (collagen type XXVII alpha 1 chain; plus strand). Cytogenetic location: 9q32.
Variant type: single nucleotide variant.
Coding change: c.365G>A on transcript NM_032888.4 (MANE Select); coding-DNA position 365, G replaced by A.
Protein change: p.Arg122His; replaces arginine 122 with histidine.
Molecular consequence: missense variant.
Genome position (GRCh38, 1-based): chr9:114,167,920, G>A. VCF-style: chr9-114167920-G-A. GRCh37 (hg19) VCF-style: chr9-116930200-G-A.
Other names: short protein forms R122H.
Identifiers: ClinVar variation 2897488 (VCV002897488.3), dbSNP rs775952838, ClinGen allele CA5201129.
Genomic context (GRCh38, chr9:114,167,920, plus strand): 5'-TGAGCCTCTGCTCCCACCGGGTGAACCATGCCTTCCTCTTCGCTGTCCGCAGCCAGAAAC[G>A]CAAGCTGCAGCTGGGCCTGCAGTTCCTCCCCGGCAAGACGGTCGTCCACCTCGGGTCCCG-3'
Protein context (NP_116277.2, residues 112-132): AFLFAVRSQK[Arg122His]KLQLGLQFLP

ClinVar aggregate classification (germline): Uncertain significance (1 of 4 stars; one submission).

Allele frequency attached by ClinVar (database versions not stated): TOPMed below 0.00001; ExAC 0.00001.
gnomAD v4.1: 9 of 1,611,422 alleles (0.00056%); highest among the groups gnomAD compares: East Asian, 0.0067%; no homozygotes.

Submission:

Labcorp Genetics (formerly Invitae), Labcorp
Classification: Uncertain significance. Last evaluated: 2023-11-27. Review status: criteria provided, single submitter. Criteria: Invitae Variant Classification Sherloc (09022015). Collection method: clinical testing. Allele origin: germline.
Comment: This sequence change replaces arginine, which is basic and polar, with histidine, which is basic and polar, at codon 122 of the COL27A1 protein (p.Arg122His). The frequency data for this variant in the population databases is considered unreliable, as metrics indicate poor data quality at this position in the gnomAD database. This variant has not been reported in the literature in individuals affected with COL27A1-related conditions. Advanced modeling of protein sequence and biophysical properties (such as structural, functional, and spatial information, amino acid conservation, physicochemical variation, residue mobility, and thermodynamic stability) performed at Invitae indicates that this missense variant is not expected to disrupt COL27A1 protein function with a negative predictive value of 95%. In summary, the available evidence is currently insufficient to determine the role of this variant in disease. Therefore, it has been classified as a Variant of Uncertain Significance.